The following is an entry in ClinVar:

NM_201384.3(PLEC):c.1246G>A (p.Asp416Asn)

Genes: PLEC (plectin; minus strand), LOC130001334 (ATAC-STARR-seq lymphoblastoid silent region 19628; plus strand). Cytogenetic location: 8q24.3.
Variant type: single nucleotide variant.
Coding change: c.1246G>A on transcript NM_201384.3 (MANE Select); coding-DNA position 1246, G replaced by A.
Protein change: p.Asp416Asn; replaces aspartic acid 416 with asparagine.
Molecular consequence: missense variant.
Genome position (GRCh38, 1-based): chr8:143,934,015, C>T on the plus strand (G>A on the coding strand, the complement: PLEC is on the minus strand). VCF-style: chr8-143934015-C-T. GRCh37 (hg19) VCF-style: chr8-145008183-C-T.
Other names: c.1327G>A, p.Asp443Asn (NM_000445.5); c.1204G>A, p.Asp402Asn (NM_201378.4); c.1180G>A, p.Asp394Asn (NM_201379.3); c.1657G>A, p.Asp553Asn (NM_201380.4); c.1150G>A, p.Asp384Asn (NM_201381.3); c.1246G>A, p.Asp416Asn (NM_201382.4); c.1258G>A, p.Asp420Asn (NM_201383.3); short protein forms D384N, D394N, D402N, D416N, D420N, D443N, D553N.
Identifiers: ClinVar variation 682506 (VCV000682506.10), dbSNP rs782674838, ClinGen allele CA4928091.

ClinVar aggregate classification (germline): Conflicting classifications of pathogenicity. Review status: criteria provided, conflicting classifications (1 of 4 stars). 4 submissions from 4 submitters: Uncertain significance (3); Likely benign (1). Last evaluated 2025-05-03.

Conditions:
Inborn genetic diseases. Identifiers: MedGen C0950123, MeSH D030342.
Epidermolysis bullosa simplex, Ogna type (EBS5A). Also called: Pidermolysis bullosa simplex 5A, Ogna type; EPIDERMOLYSIS BULLOSA SIMPLEX 5A, OGNA TYPE. Identifiers: Orphanet 79401, MedGen C0432317, MONDO:0007555, OMIM 131950.
Epidermolysis bullosa simplex 5C, with pyloric atresia (EBS5C). Also called: PLEC1-Related Epidermolysis Bullosa with Pyloric Atresia; PLEC-Related Epidermolysis Bullosa with Pyloric Atresia; Epidermolysis bullosa simplex with pyloric atresia. Identifiers: Orphanet 158684, MedGen C2677349, MONDO:0012807, OMIM 612138.
Epidermolysis bullosa simplex 5B, with muscular dystrophy (EBS5B). Also called: Epidermolysis bullosa simplex with muscular dystrophy; EPIDERMOLYSIS BULLOSA SIMPLEX AND LIMB-GIRDLE MUSCULAR DYSTROPHY. Identifiers: Orphanet 257, MedGen C2931072, MONDO:0009181, OMIM 226670.
Autosomal recessive limb-girdle muscular dystrophy type 2Q (LGMDR17). Also called: MUSCULAR DYSTROPHY, LIMB-GIRDLE, AUTOSOMAL RECESSIVE 17. Identifiers: Orphanet 254361, MedGen C3150989, MONDO:0013390, OMIM 613723.
Epidermolysis bullosa simplex with nail dystrophy (EBS5D). Identifiers: MedGen C4225309, MONDO:0014661, OMIM 616487.

Allele frequency attached by ClinVar (database versions not stated): gnomAD 0.00002; TOPMed 0.00002; gnomAD exomes 0.00003.
gnomAD v4.1: 33 of 1,610,494 alleles (0.002%); highest among the groups gnomAD compares: East Asian, 0.0089%; no homozygotes.

Submissions (4):

Ambry Genetics
Classification: Uncertain significance for Inborn genetic diseases. Last evaluated: 2025-05-03. Review status: criteria provided, single submitter. Criteria: Ambry Variant Classification Scheme 2023. Collection method: clinical testing. Allele origin: germline.

Labcorp Genetics (formerly Invitae), Labcorp
Classification: Uncertain significance for Autosomal recessive limb-girdle muscular dystrophy type 2Q; Epidermolysis bullosa simplex, Ogna type; Epidermolysis bullosa simplex with nail dystrophy; Epidermolysis bullosa simplex 5C, with pyloric atresia; Epidermolysis bullosa simplex 5B, with muscular dystrophy. Last evaluated: 2024-04-03. Review status: criteria provided, single submitter. Criteria: Invitae Variant Classification Sherloc (09022015). Collection method: clinical testing. Allele origin: germline.
Comment: This sequence change replaces aspartic acid, which is acidic and polar, with asparagine, which is neutral and polar, at codon 443 of the PLEC protein (p.Asp443Asn). This variant is present in population databases (rs782674838, gnomAD 0.01%). This variant has not been reported in the literature in individuals affected with PLEC-related conditions. ClinVar contains an entry for this variant (Variation ID: 682506). Experimental studies and prediction algorithms are not available or were not evaluated, and the functional significance of this variant is currently unknown. In summary, the available evidence is currently insufficient to determine the role of this variant in disease. Therefore, it has been classified as a Variant of Uncertain Significance.

Revvity Omics, Revvity
Classification: Uncertain significance. Last evaluated: 2023-06-22. Review status: criteria provided, single submitter. Criteria: ACMG Guidelines, 2015. Collection method: clinical testing. Allele origin: germline.

GeneDx
Classification: Likely benign. Last evaluated: 2018-04-27. Review status: criteria provided, single submitter. Criteria: GeneDx Variant Classification (06012015). Collection method: clinical testing. Allele origin: germline. Affected: yes.
Comment: This variant is considered likely benign or benign based on one or more of the following criteria: it is a conservative change, it occurs at a poorly conserved position in the protein, it is predicted to be benign by multiple in silico algorithms, and/or has population frequency not consistent with disease.